The following is an entry in ClinVar:

NM_024642.5(GALNT12):c.197C>G (p.Pro66Arg)

Gene: GALNT12 (polypeptide N-acetylgalactosaminyltransferase 12; plus strand). Cytogenetic location: 9q22.33.
Variant type: single nucleotide variant.
Coding change: c.197C>G on transcript NM_024642.5 (MANE Select); coding-DNA position 197, C replaced by G.
Protein change: p.Pro66Arg; replaces proline 66 with arginine.
Molecular consequence: missense variant.
Genome position (GRCh38, 1-based): chr9:98,807,895, C>G. VCF-style: chr9-98807895-C-G. GRCh37 (hg19) VCF-style: chr9-101570177-C-G.
Other names: short protein forms P66R.
Identifiers: ClinVar variation 3518478 (VCV003518478.1).

ClinVar aggregate classification (germline): Uncertain significance (1 of 4 stars; one submission).

Submission:

Ambry Genetics
Classification: Uncertain significance. Last evaluated: 2024-07-09. Review status: criteria provided, single submitter. Criteria: Ambry Variant Classification Scheme 2023. Collection method: clinical testing. Allele origin: germline.
Comment: The p.P66R variant (also known as c.197C>G), located in coding exon 1 of the GALNT12 gene, results from a C to G substitution at nucleotide position 197. The proline at codon 66 is replaced by arginine, an amino acid with dissimilar properties. This amino acid position is conserved. In addition, this alteration is predicted to be tolerated by in silico analysis. Based on the available evidence, the clinical significance of this variant remains unclear.